The following is an entry in ClinVar:

NM_001385012.1(NBEA):c.7540G>T (p.Ala2514Ser)

Gene: NBEA (neurobeachin; plus strand). Cytogenetic location: 13q13.3.
Variant type: single nucleotide variant.
Coding change: c.7540G>T on transcript NM_001385012.1 (MANE Select); coding-DNA position 7540, G replaced by T.
Protein change: p.Ala2514Ser; replaces alanine 2514 with serine.
Molecular consequence: missense variant.
Genome position (GRCh38, 1-based): chr13:35,628,171, G>T. VCF-style: chr13-35628171-G-T. GRCh37 (hg19) VCF-style: chr13-36202308-G-T.
Other names: c.919G>T, p.Ala307Ser (NM_001204197.3); c.7531G>T, p.Ala2511Ser (NM_001379245.1); c.7540G>T, p.Ala2514Ser (NM_015678.5); short protein forms A2511S, A2514S, A307S.
Identifiers: ClinVar variation 2633200 (VCV002633200.1), dbSNP rs2549940533, ClinGen allele CA387987888.

ClinVar aggregate classification (germline): Uncertain significance (1 of 4 stars; one submission).

Conditions:
NBEA-related disorder. Also called: NBEA-related condition.

Submission:

PreventionGenetics, part of Exact Sciences
Classification: Uncertain significance for NBEA-related condition. Last evaluated: 2023-05-18. Review status: criteria provided, single submitter. Criteria: ACMG Guidelines, 2015. Collection method: clinical testing. Allele origin: germline.
Comment: The NBEA c.7540G>T variant is predicted to result in the amino acid substitution p.Ala2514Ser. To our knowledge, this variant has not been reported in the literature or in a large population database, indicating this variant is rare. At this time, the clinical significance of this variant is uncertain due to the absence of conclusive functional and genetic evidence.